The following is an entry in ClinVar:

ClinVar aggregate classification (germline): Uncertain significance. Review status: criteria provided, multiple submitters, no conflicts (2 of 4 stars). 3 submissions from 3 submitters: Uncertain significance (3). Last evaluated 2026-01-12.

Conditions:
Malignant hyperthermia, susceptibility to, 1 (MHS1). Also called: Anesthesia related hyperthermia; Malignant hyperpyrexia; Fulminating hyperpyrexia; Pharmacogenic myopathy; RYR1-Related Malignant Hyperthermia Susceptibility; Malignant hyperthermia suceptibility 1. Identifiers: Orphanet 423, MedGen C2930980, MONDO:0007783, OMIM 145600.
RYR1-related disorder. Also called: RYR1-related condition; RYR1-related disorders. Identifiers: MedGen CN239331.

Allele frequency attached by ClinVar (database versions not stated): gnomAD 0.00001; gnomAD exomes 0.00001; TOPMed 0.00001; ESP Exome Variant Server 0.00008.
gnomAD v4.1: 18 of 1,613,198 alleles (0.0011%); highest among the groups gnomAD compares: African/African-American, 0.0053%; no homozygotes.

Submissions (3):

Labcorp Genetics (formerly Invitae), Labcorp
Classification: Uncertain significance for RYR1-related disorder. Last evaluated: 2026-01-12. Review status: criteria provided, single submitter. Criteria: Invitae Variant Classification Sherloc (09022015). Collection method: clinical testing. Allele origin: germline.
Comment: This sequence change replaces arginine, which is basic and polar, with histidine, which is basic and polar, at codon 727 of the RYR1 protein (p.Arg727His). This variant is present in population databases (rs372460800, gnomAD 0.006%). This variant has not been reported in the literature in individuals affected with RYR1-related conditions. ClinVar contains an entry for this variant (Variation ID: 2176449). Invitae Evidence Modeling of protein sequence and biophysical properties (such as structural, functional, and spatial information, amino acid conservation, physicochemical variation, residue mobility, and thermodynamic stability) has been performed for this missense variant. However, the output from this modeling did not meet the statistical confidence thresholds required to predict the impact of this variant on RYR1 protein function. In summary, the available evidence is currently insufficient to determine the role of this variant in disease. Therefore, it has been classified as a Variant of Uncertain Significance.

Women's Health and Genetics/Laboratory Corporation of America, LabCorp
Classification: Uncertain significance. Last evaluated: 2024-04-18. Review status: criteria provided, single submitter. Criteria: LabCorp Variant Classification Summary - May 2015. Collection method: clinical testing. Allele origin: germline.
Comment: Variant summary: RYR1 c.2180G>A (p.Arg727His) results in a non-conservative amino acid change located in the B30.2/SPRY domain (IPR001870) of the encoded protein sequence. Five of five in-silico tools predict a damaging effect of the variant on protein function. The variant allele was found at a frequency of 1.2e-05 in 250968 control chromosomes. The available data on variant occurrences in the general population are insufficient to allow any conclusion about variant significance. To our knowledge, no occurrence of c.2180G>A in individuals affected with Myopathy, RYR1-Associated and no experimental evidence demonstrating its impact on protein function have been reported. ClinVar contains an entry for this variant (Variation ID: 2176449). Based on the evidence outlined above, the variant was classified as uncertain significance.

Color Diagnostics, LLC DBA Color Health
Classification: Uncertain significance for Malignant hyperthermia, susceptibility to, 1. Last evaluated: 2023-11-08. Review status: criteria provided, single submitter. Criteria: ACMG Guidelines, 2015. Collection method: clinical testing. Allele origin: germline.
Comment: This missense variant replaces arginine with histidine at codon 727 of the RYR1 protein. Computational prediction is inconclusive regarding the impact of this variant on protein structure and function. To our knowledge, functional studies have not been reported for this variant. This variant has not been reported in individuals affected with RYR1-related disorders in the literature. This variant has been identified in 3/250968 chromosomes in the general population by the Genome Aggregation Database (gnomAD). The available evidence is insufficient to determine the role of this variant in disease conclusively. Therefore, this variant is classified as a Variant of Uncertain Significance.

NM_000540.3(RYR1):c.2180G>A (p.Arg727His)

Gene: RYR1 (ryanodine receptor 1; plus strand). Cytogenetic location: 19q13.2.
Variant type: single nucleotide variant.
Coding change: c.2180G>A on transcript NM_000540.3 (MANE Select); coding-DNA position 2180, G replaced by A.
Protein change: p.Arg727His; replaces arginine 727 with histidine.
Molecular consequence: missense variant.
Genome position (GRCh38, 1-based): chr19:38,459,158, G>A. VCF-style: chr19-38459158-G-A. GRCh37 (hg19) VCF-style: chr19-38949798-G-A.
Other names: c.2180G>A, p.Arg727His (NM_001042723.2); short protein forms R727H.
Identifiers: ClinVar variation 2176449 (VCV002176449.3), dbSNP rs372460800, ClinGen allele CA308069957.